The following is an entry in ClinVar:

ClinVar aggregate classification (germline): Uncertain significance (1 of 4 stars; one submission).

Conditions:
Hereditary pancreatitis (PCTT). Also called: Hereditary chronic pancreatitis; PRSS1-Related Hereditary Pancreatitis. Identifiers: Orphanet 676, MedGen C0238339, MONDO:0008185, OMIM 167800.

Submission:

Ambry Genetics
Classification: Uncertain significance for Hereditary pancreatitis. Last evaluated: 2025-04-18. Review status: criteria provided, single submitter. Criteria: Ambry Variant Classification Scheme 2023. Collection method: clinical testing. Allele origin: germline.
Comment: The p.P68T variant (also known as c.202C>A), located in coding exon 3 of the CPA1 gene, results from a C to A substitution at nucleotide position 202. The proline at codon 68 is replaced by threonine, an amino acid with highly similar properties. This amino acid position is conserved. In addition, the in silico prediction for this alteration is inconclusive. Based on the available evidence, the clinical significance of this variant remains unclear.

NM_001868.4(CPA1):c.202C>A (p.Pro68Thr)

Gene: CPA1 (carboxypeptidase A1; plus strand). Cytogenetic location: 7q32.2.
Variant type: single nucleotide variant.
Coding change: c.202C>A on transcript NM_001868.4 (MANE Select); coding-DNA position 202, C replaced by A.
Protein change: p.Pro68Thr; replaces proline 68 with threonine.
Molecular consequence: missense variant.
Genome position (GRCh38, 1-based): chr7:130,381,684, C>A. VCF-style: chr7-130381684-C-A. GRCh37 (hg19) VCF-style: chr7-130021525-C-A.
Other names: short protein forms P68T.
Identifiers: ClinVar variation 4006050 (VCV004006050.1).